The following is an entry in ClinVar:

NM_080680.3(COL11A2):c.3823C>G (p.Pro1275Ala)

Gene: COL11A2 (collagen type XI alpha 2 chain; minus strand). Cytogenetic location: 6p21.32.
Variant type: single nucleotide variant.
Coding change: c.3823C>G on transcript NM_080680.3 (MANE Select); coding-DNA position 3823, C replaced by G.
Protein change: p.Pro1275Ala; replaces proline 1275 with alanine.
Molecular consequence: missense variant.
Genome position (GRCh38, 1-based): chr6:33,168,984, G>C on the plus strand (C>G on the coding strand, the complement: COL11A2 is on the minus strand). VCF-style: chr6-33168984-G-C. GRCh37 (hg19) VCF-style: chr6-33136761-G-C.
Other names: c.3502C>G, p.Pro1168Ala (NM_080679.3); c.3565C>G, p.Pro1189Ala (NM_080681.3); short protein forms P1168A, P1189A, P1275A.
Identifiers: ClinVar variation 2502592 (VCV002502592.2), dbSNP rs2534685642, ClinGen allele CA363627166.
Genomic context (GRCh38, chr6:33,168,984, plus strand): 5'-TTGCCCCTTCCCTTCTCTGAGTAAGACTCACCCGAGGGCCACCTTCTCCAGGGGGGCCAG[G>C]GTCACCAGGAAAACCAACAGGACCCTGATCCAGATGGAGAATAAGAGTCAGGGTCACAGC-3'
Protein context (NP_542411.2, residues 1265-1285): NPGPVGFPGD[Pro1275Ala]GPPGEGGPRG

ClinVar aggregate classification (germline): Uncertain significance (1 of 4 stars; one submission).

Allele frequency attached by ClinVar (database versions not stated): gnomAD exomes below 0.00001.
gnomAD v4.1: 1 of 1,609,480 alleles (0.000062%); highest among the groups gnomAD compares: Non-Finnish European, 0.000085%; no homozygotes.

Submission:

GeneDx
Classification: Uncertain significance. Last evaluated: 2024-04-29. Review status: criteria provided, single submitter. Criteria: GeneDx Variant Classification Process June 2021. Collection method: clinical testing. Allele origin: germline.
Comment: Not observed at significant frequency in large population cohorts (gnomAD); In silico analysis supports that this missense variant has a deleterious effect on protein structure/function; Has not been previously published as pathogenic or benign to our knowledge